The following is an entry in ClinVar:

NM_005045.4(RELN):c.352C>T (p.His118Tyr)

Gene: RELN (reelin; minus strand). Cytogenetic location: 7q22.1.
Variant type: single nucleotide variant.
Coding change: c.352C>T on transcript NM_005045.4 (MANE Select); coding-DNA position 352, C replaced by T.
Protein change: p.His118Tyr; replaces histidine 118 with tyrosine.
Molecular consequence: missense variant.
Genome position (GRCh38, 1-based): chr7:103,833,658, G>A on the plus strand (C>T on the coding strand, the complement: RELN is on the minus strand). VCF-style: chr7-103833658-G-A. GRCh37 (hg19) VCF-style: chr7-103474105-G-A.
Other names: c.352C>T, p.His118Tyr (NM_173054.3); short protein forms H118Y.
Identifiers: ClinVar variation 850808 (VCV000850808.9), dbSNP rs1793328921, ClinGen allele CA368930910.
Genomic context (GRCh38, chr7:103,833,658, plus strand): 5'-TGGGCAGGTGACTCACGTGAGAGGCTACCACACTGCACATAAACTGGTTACCAAACTGGT[G>A]GTCAGACATGATCCCTAAGAGAAAGGAAGGAGAGTTGTTACAAAGACAACAAAACAAAGA-3'
Protein context (NP_005036.2, residues 108-128): SAFGFGIMSD[His118Tyr]QFGNQFMCSV

ClinVar aggregate classification (germline): Uncertain significance (1 of 4 stars; one submission).

Conditions:
Norman-Roberts syndrome (LIS2). Also called: Lissencephaly 2 (Norman-Roberts type). Identifiers: Orphanet 89844, MedGen C0796089, MONDO:0009760, OMIM 257320.
Familial temporal lobe epilepsy 7. Identifiers: Orphanet 101046, MedGen C4225327, MONDO:0014639, OMIM 616436.

Allele frequency attached by ClinVar (database versions not stated): gnomAD exomes below 0.00001.
gnomAD v4.1: 2 of 1,613,598 alleles (0.00012%); highest among the groups gnomAD compares: Non-Finnish European, 0.00017%; no homozygotes.

Submission:

Labcorp Genetics (formerly Invitae), Labcorp
Classification: Uncertain significance for Familial temporal lobe epilepsy 7; Norman-Roberts syndrome. Last evaluated: 2025-10-26. Review status: criteria provided, single submitter. Criteria: Invitae Variant Classification Sherloc (09022015). Collection method: clinical testing. Allele origin: germline.
Comment: This sequence change replaces histidine, which is basic and polar, with tyrosine, which is neutral and polar, at codon 118 of the RELN protein (p.His118Tyr). This variant is not present in population databases (gnomAD no frequency). This variant has not been reported in the literature in individuals affected with RELN-related conditions. ClinVar contains an entry for this variant (Variation ID: 850808). Invitae Evidence Modeling of protein sequence and biophysical properties (such as structural, functional, and spatial information, amino acid conservation, physicochemical variation, residue mobility, and thermodynamic stability) indicates that this missense variant is not expected to disrupt RELN protein function with a negative predictive value of 80%. In summary, the available evidence is currently insufficient to determine the role of this variant in disease. Therefore, it has been classified as a Variant of Uncertain Significance.